The following is an entry in ClinVar:

ClinVar aggregate classification (germline): Likely pathogenic (1 of 4 stars; one submission).

Submission:

Labcorp Genetics (formerly Invitae), Labcorp
Classification: Likely pathogenic. Last evaluated: 2025-12-11. Review status: criteria provided, single submitter. Criteria: Invitae Variant Classification Sherloc (09022015). Collection method: clinical testing. Allele origin: germline.
Comment: This sequence change affects an acceptor splice site in intron 6 of the CDHR1 gene. It is expected to disrupt RNA splicing. Variants that disrupt the donor or acceptor splice site typically lead to a loss of protein function (PMID: 16199547), and loss-of-function variants in CDHR1 are known to be pathogenic (PMID: 23044944, 23591405, 26103963, 26261414). This variant is not present in population databases (gnomAD no frequency). This variant has not been reported in the literature in individuals affected with CDHR1-related conditions. Algorithms developed to predict the effect of sequence changes on RNA splicing suggest that this variant may disrupt the consensus splice site. In summary, the currently available evidence indicates that the variant is pathogenic, but additional data are needed to prove that conclusively. Therefore, this variant has been classified as Likely Pathogenic.

Literature cited by the submitters: PubMed 16199547; PubMed 23044944; PubMed 23591405; PubMed 26103963; PubMed 26261414.

NM_033100.4(CDHR1):c.526-1G>C

Gene: CDHR1 (cadherin related family member 1; plus strand). Cytogenetic location: 10q23.1.
Variant type: single nucleotide variant.
Coding change: c.526-1G>C on transcript NM_033100.4 (MANE Select); the canonical splice acceptor site of the intron before coding-DNA position 526, G replaced by C.
Molecular consequence: splice acceptor variant.
Genome position (GRCh38, 1-based): chr10:84,201,806, G>C. VCF-style: chr10-84201806-G-C. GRCh37 (hg19) VCF-style: chr10-85961562-G-C.
Other names: c.526-1G>C (NM_001171971.3).
Identifiers: ClinVar variation 4765278 (VCV004765278.1).